The following is an entry in ClinVar:

NM_000824.5(GLRB):c.1390C>A (p.Pro464Thr)

Gene: GLRB (glycine receptor beta; plus strand). Cytogenetic location: 4q32.1.
Variant type: single nucleotide variant.
Coding change: c.1390C>A on transcript NM_000824.5 (MANE Select); coding-DNA position 1390, C replaced by A.
Protein change: p.Pro464Thr; replaces proline 464 with threonine.
Molecular consequence: missense variant. On other transcripts: 3 prime UTR variant (1).
Genome position (GRCh38, 1-based): chr4:157,170,624, C>A. VCF-style: chr4-157170624-C-A. GRCh37 (hg19) VCF-style: chr4-158091776-C-A.
Other names: c.1390C>A, p.Pro464Thr (NM_001166060.2); c.*185C>A (NM_001166061.2); short protein forms P464T.
Identifiers: ClinVar variation 1464844 (VCV001464844.6), dbSNP rs2126637962, ClinGen allele CA358645286.

ClinVar aggregate classification (germline): Uncertain significance (1 of 4 stars; one submission).

Conditions:
Hyperekplexia 2 (HKPX2). Identifiers: Orphanet 3197, MedGen C3553291, MONDO:0013828, OMIM 614619.

Allele frequency attached by ClinVar (database versions not stated): gnomAD exomes below 0.00001.
gnomAD v4.1: 2 of 1,612,398 alleles (0.00012%); highest among the groups gnomAD compares: Non-Finnish European, 0.00017%; no homozygotes.

Submission:

Labcorp Genetics (formerly Invitae), Labcorp
Classification: Uncertain significance for Hyperekplexia 2. Last evaluated: 2022-09-01. Review status: criteria provided, single submitter. Criteria: Invitae Variant Classification Sherloc (09022015). Collection method: clinical testing. Allele origin: germline.
Comment: This variant is not present in population databases (gnomAD no frequency). This sequence change replaces proline, which is neutral and non-polar, with threonine, which is neutral and polar, at codon 464 of the GLRB protein (p.Pro464Thr). This variant has not been reported in the literature in individuals affected with GLRB-related conditions. ClinVar contains an entry for this variant (Variation ID: 1464844). Advanced modeling of protein sequence and biophysical properties (such as structural, functional, and spatial information, amino acid conservation, physicochemical variation, residue mobility, and thermodynamic stability) performed at Invitae indicates that this missense variant is not expected to disrupt GLRB protein function. In summary, the available evidence is currently insufficient to determine the role of this variant in disease. Therefore, it has been classified as a Variant of Uncertain Significance.